The following is an entry in ClinVar:

NM_001005242.3(PKP2):c.1107G>C (p.Arg369Ser)

Gene: PKP2 (plakophilin 2; minus strand). Cytogenetic location: 12p11.21.
Variant type: single nucleotide variant.
Coding change: c.1107G>C on transcript NM_001005242.3 (MANE Select); coding-DNA position 1107, G replaced by C.
Protein change: p.Arg369Ser; replaces arginine 369 with serine.
Molecular consequence: missense variant.
Genome position (GRCh38, 1-based): chr12:32,868,990, C>G on the plus strand (G>C on the coding strand, the complement: PKP2 is on the minus strand). VCF-style: chr12-32868990-C-G. GRCh37 (hg19) VCF-style: chr12-33021924-C-G.
Other names: c.1107G>C, p.Arg369Ser (NM_001407155.1, NM_001407156.1, NM_001407157.1 and 2 more transcripts); c.780G>C, p.Arg260Ser (NM_001407158.1, NM_001407159.1, NM_001407160.1 and 1 more transcripts); short protein forms R260S, R369S.
Identifiers: ClinVar variation 4728543 (VCV004728543.1).

ClinVar aggregate classification (germline): Uncertain significance (1 of 4 stars; one submission).

Conditions:
Arrhythmogenic right ventricular dysplasia 9 (ARVD9). Also called: Arrhythmogenic Right Ventricular Dysplasia/Cardiomyopathy 9; ARRHYTHMOGENIC RIGHT VENTRICULAR DYSPLASIA, FAMILIAL, 9. Identifiers: MedGen C1836906, MONDO:0012180, OMIM 609040.

gnomAD v4.1: 1 of 1,614,080 alleles (0.000062%); highest among the groups gnomAD compares: Non-Finnish European, 0.000085%; no homozygotes.

Submission:

Labcorp Genetics (formerly Invitae), Labcorp
Classification: Uncertain significance for Arrhythmogenic right ventricular dysplasia 9. Last evaluated: 2025-10-06. Review status: criteria provided, single submitter. Criteria: Invitae Variant Classification Sherloc (09022015). Collection method: clinical testing. Allele origin: germline.
Comment: This sequence change replaces arginine, which is basic and polar, with serine, which is neutral and polar, at codon 369 of the PKP2 protein (p.Arg369Ser). This variant is not present in population databases (gnomAD no frequency). This variant has not been reported in the literature in individuals affected with PKP2-related conditions. An algorithm developed to predict the effect of missense changes on protein structure and function (PolyPhen-2) suggests that this variant is likely to be tolerated. In summary, the available evidence is currently insufficient to determine the role of this variant in disease. Therefore, it has been classified as a Variant of Uncertain Significance.